The following is an entry in ClinVar:

NM_015202.5(KATNIP):c.4828G>A (p.Glu1610Lys)

Gene: KATNIP (katanin interacting protein; plus strand). Cytogenetic location: 16p12.1.
Variant type: single nucleotide variant.
Coding change: c.4828G>A on transcript NM_015202.5 (MANE Select); coding-DNA position 4828, G replaced by A.
Protein change: p.Glu1610Lys; replaces glutamic acid 1610 with lysine.
Molecular consequence: missense variant.
Genome position (GRCh38, 1-based): chr16:27,778,600, G>A. VCF-style: chr16-27778600-G-A. GRCh37 (hg19) VCF-style: chr16-27789921-G-A.
Other names: short protein forms E1610K.
Identifiers: ClinVar variation 1911411 (VCV001911411.5), dbSNP rs141768032, ClinGen allele CA7978805.

ClinVar aggregate classification (germline): Uncertain significance (1 of 4 stars; one submission).

Allele frequency attached by ClinVar (database versions not stated): gnomAD exomes 0.00001; gnomAD 0.00002; TOPMed 0.00002; ExAC 0.00008; ESP Exome Variant Server 0.00008.
gnomAD v4.1: 20 of 1,613,804 alleles (0.0012%); highest among the groups gnomAD compares: Admixed American, 0.022%; 1 homozygote.

Submission:

Labcorp Genetics (formerly Invitae), Labcorp
Classification: Uncertain significance. Last evaluated: 2025-09-02. Review status: criteria provided, single submitter. Criteria: Invitae Variant Classification Sherloc (09022015). Collection method: clinical testing. Allele origin: germline.
Comment: This sequence change replaces glutamic acid, which is acidic and polar, with lysine, which is basic and polar, at codon 1610 of the KIAA0556 protein (p.Glu1610Lys). This variant is present in population databases (rs141768032, gnomAD 0.03%). This variant has not been reported in the literature in individuals affected with KIAA0556-related conditions. ClinVar contains an entry for this variant (Variation ID: 1911411). An algorithm developed to predict the effect of missense changes on protein structure and function (PolyPhen-2) suggests that this variant is likely to be disruptive. In summary, the available evidence is currently insufficient to determine the role of this variant in disease. Therefore, it has been classified as a Variant of Uncertain Significance.